The following is an entry in ClinVar:

NM_015331.3(NCSTN):c.607C>G (p.Gln203Glu)

Gene: NCSTN (nicastrin; plus strand). Cytogenetic location: 1q23.2.
Variant type: single nucleotide variant.
Coding change: c.607C>G on transcript NM_015331.3 (MANE Select); coding-DNA position 607, C replaced by G.
Protein change: p.Gln203Glu; replaces glutamine 203 with glutamic acid.
Molecular consequence: missense variant. On other transcripts: intron variant (1).
Genome position (GRCh38, 1-based): chr1:160,351,246, C>G. VCF-style: chr1-160351246-C-G. GRCh37 (hg19) VCF-style: chr1-160321036-C-G.
Other names: c.547C>G, p.Gln183Glu (NM_001290184.2); c.607C>G, p.Gln203Glu (NM_001349729.2); c.582+996C>G (NM_001290186.2); c.607C>G (NM_015331.2); short protein forms Q183E, Q203E.
Identifiers: ClinVar variation 2721065 (VCV002721065.4), dbSNP rs763351607, ClinGen allele CA1198768.

ClinVar aggregate classification (germline): Uncertain significance. Review status: criteria provided, multiple submitters, no conflicts (2 of 4 stars). 2 submissions from 2 submitters: Uncertain significance (2). Last evaluated 2025-11-11.

Conditions:
Inborn genetic diseases. Identifiers: MedGen C0950123, MeSH D030342.

Allele frequency attached by ClinVar (database versions not stated): gnomAD exomes 0.00001; ExAC 0.00002; TOPMed 0.00002.
gnomAD v4.1: 15 of 1,614,194 alleles (0.00093%); highest among the groups gnomAD compares: Admixed American, 0.023%; no homozygotes.

Submissions (3):

Ambry Genetics
Classification: Uncertain significance for Inborn genetic diseases. Last evaluated: 2025-11-11. Review status: criteria provided, single submitter. Criteria: Ambry Variant Classification Scheme 2023. Collection method: clinical testing. Allele origin: germline.

Labcorp Genetics (formerly Invitae), Labcorp
Classification: Uncertain significance. Last evaluated: 2024-04-25. Review status: criteria provided, single submitter. Criteria: Invitae Variant Classification Sherloc (09022015). Collection method: clinical testing. Allele origin: germline.
Comment: This sequence change replaces glutamine, which is neutral and polar, with glutamic acid, which is acidic and polar, at codon 203 of the NCSTN protein (p.Gln203Glu). This variant is present in population databases (rs763351607, gnomAD 0.03%). This variant has not been reported in the literature in individuals affected with NCSTN-related conditions. Advanced modeling of protein sequence and biophysical properties (such as structural, functional, and spatial information, amino acid conservation, physicochemical variation, residue mobility, and thermodynamic stability) performed at Invitae indicates that this missense variant is not expected to disrupt NCSTN protein function with a negative predictive value of 80%. In summary, the available evidence is currently insufficient to determine the role of this variant in disease. Therefore, it has been classified as a Variant of Uncertain Significance.

Dr. Peter K. Rogan Lab, Western University
No classification provided (evidence only). Condition: Cervical cancer. Review status: no classification provided. Collection method: in vitro. Allele origin: not applicable. Functional consequence: retained intron. Not counted in ClinVar's aggregate classification.